The following is an entry in ClinVar:

NM_001353921.2(ARHGEF9):c.1471G>A (p.Asp491Asn)

Gene: ARHGEF9 (Cdc42 guanine nucleotide exchange factor 9; minus strand). Cytogenetic location: Xq11.1.
Variant type: single nucleotide variant.
Coding change: c.1471G>A on transcript NM_001353921.2 (MANE Select); coding-DNA position 1471, G replaced by A.
Protein change: p.Asp491Asn; replaces aspartic acid 491 with asparagine.
Molecular consequence: missense variant. On other transcripts: 3 prime UTR variant (2).
Genome position (GRCh38, 1-based): chrX:63,638,129, C>T on the plus strand (G>A on the coding strand, the complement: ARHGEF9 is on the minus strand). VCF-style: chrX-63638129-C-T. GRCh37 (hg19) VCF-style: chrX-62858009-C-T.
Other names: c.1291G>A, p.Asp431Asn (NM_001173479.2); c.1144G>A, p.Asp382Asn (NM_001173480.2, NM_001369042.1); c.1387G>A, p.Asp463Asn (NM_001330495.2, NM_001369033.1, NM_001369034.1 and 4 more transcripts); c.1339G>A, p.Asp447Asn (NM_001353922.2); c.1489G>A, p.Asp497Asn (NM_001353923.1); c.1270G>A, p.Asp424Asn (NM_001353924.2, NM_001353926.2, NM_001369039.1 and 1 more transcripts); c.1255G>A, p.Asp419Asn (NM_001353927.2, NM_001369041.1); c.1318G>A, p.Asp440Asn (NM_001353928.2); and 3 more; short protein forms D484N, D424N, D440N, D419N, D463N, D491N, D302N, D382N.
Identifiers: ClinVar variation 383721 (VCV000383721.17), dbSNP rs782577519, ClinGen allele CA10431802.

ClinVar aggregate classification (germline): Conflicting classifications of pathogenicity. Review status: criteria provided, conflicting classifications (1 of 4 stars). 4 submissions from 4 submitters: Uncertain significance (2); Likely benign (2). Last evaluated 2025-08-20.

Conditions:
Inborn genetic diseases. Identifiers: MedGen C0950123, MeSH D030342.
Developmental and epileptic encephalopathy, 8 (DEE8). Also called: HYPEREKPLEXIA AND EPILEPSY. Identifiers: Orphanet 163985, Orphanet 2076, MedGen C1845102, MONDO:0010375, OMIM 300607.

Allele frequency attached by ClinVar (database versions not stated): ExAC 0.00002; gnomAD exomes 0.00002; gnomAD 0.00012 and 0.00015; TOPMed 0.00022.
gnomAD v4.1: 26 of 1,204,435 alleles (0.0022%); highest among the groups gnomAD compares: Admixed American, 0.033%; no homozygotes.

Submissions (4):

Labcorp Genetics (formerly Invitae), Labcorp
Classification: Likely benign for Developmental and epileptic encephalopathy, 8. Last evaluated: 2025-08-20. Review status: criteria provided, single submitter. Criteria: Invitae Variant Classification Sherloc (09022015). Collection method: clinical testing. Allele origin: germline.

Women's Health and Genetics/Laboratory Corporation of America, LabCorp
Classification: Uncertain significance. Last evaluated: 2024-11-27. Review status: criteria provided, single submitter. Criteria: LabCorp Variant Classification Summary - May 2015. Collection method: clinical testing. Allele origin: germline.
Comment: Variant summary: ARHGEF9 c.1450G>A (p.Asp484Asn) results in a conservative amino acid change in the encoded protein sequence. Four of five in-silico tools predict a benign effect of the variant on protein function. The variant allele was found at a frequency of 1.7e-05 in 171655 control chromosomes. The available data on variant occurrences in the general population are insufficient to allow any conclusion about variant significance. This report does not provide unequivocal conclusions about association of the variant with Early Infantile Epileptic Encephalopathy. To our knowledge, no experimental evidence demonstrating an impact on protein function has been reported. The following publication has been ascertained in the context of this evaluation (PMID: 32593896). ClinVar contains an entry for this variant (Variation ID: 383721). Based on the evidence outlined above, the variant was classified as uncertain significance.

Ambry Genetics
Classification: Uncertain significance for Inborn genetic diseases. Last evaluated: 2022-06-24. Review status: criteria provided, single submitter. Criteria: Ambry Variant Classification Scheme 2023. Collection method: clinical testing. Allele origin: germline.
Comment: The c.1450G>A (p.D484N) alteration is located in coding exon 10 of the ARHGEF9 gene. This alteration results from a G to A substitution at nucleotide position 1450, causing the aspartic acid (D) at amino acid position 484 to be replaced by an asparagine (N). This alteration is rare in population databases:_x000D_ _x000D_ Based on data from the Genome Aggregation Database (gnomAD), the ARHGEF9 c.1450G>A alteration was observed in 4 among 188,266 total alleles studied (0.002%), having been observed in 3 total hemizygotes and 3/84,024 (0.004%) European (Non-Finnish) alleles. Based on data from the NHLBI Exome Sequencing Project (ESP), this alteration was not observed among 6,503 total alleles studied. Allele frequency data for this nucleotide position are not currently available from the 1000 Genomes Project. Rare missense alleles commonly exhibit a deleterious effect on protein function (Kryukov, 2007; Tennessen, 2012; please note that some variants may appear to be rare due to ethnic underrepresentation in the database). The altered amino acid is conserved throughout evolution:_x000D_ _x000D_ The p.D484 amino acid is conserved through available reptile species. The alteration is predicted benign by in silico models:_x000D_ _x000D_ The p.D484N alteration is predicted to be benign by Polyphen and tolerated by SIFT in silico analyses. Based on insufficient or conflicting evidence, the clinical significance of this alteration remains unclear.

GeneDx
Classification: Likely benign. Last evaluated: 2020-03-27. Review status: criteria provided, single submitter. Criteria: GeneDx Variant Classification Process June 2021. Collection method: clinical testing. Allele origin: germline. Affected: yes.

Literature cited by the submitters: PubMed 32593896 (cited by Women's Health and Genetics/Laboratory Corporation of America, LabCorp).